The following is an entry in ClinVar:

NM_145868.2(ANXA11):c.637A>G (p.Met213Val)

Gene: ANXA11 (annexin A11; minus strand). Cytogenetic location: 10q22.3.
Variant type: single nucleotide variant.
Coding change: c.637A>G on transcript NM_145868.2 (MANE Select); coding-DNA position 637, A replaced by G.
Protein change: p.Met213Val; replaces methionine 213 with valine.
Molecular consequence: missense variant.
Genome position (GRCh38, 1-based): chr10:80,167,238, T>C on the plus strand (A>G on the coding strand, the complement: ANXA11 is on the minus strand). VCF-style: chr10-80167238-T-C. GRCh37 (hg19) VCF-style: chr10-81926994-T-C.
Other names: c.637A>G, p.Met213Val (NM_001157.3, NM_001278407.2, NM_001278408.2 and 1 more transcripts); c.538A>G, p.Met180Val (NM_001278409.2); short protein forms M213V, M180V.
Identifiers: ClinVar variation 4743272 (VCV004743272.1).

ClinVar aggregate classification (germline): Uncertain significance (1 of 4 stars; one submission).

Submission:

Labcorp Genetics (formerly Invitae), Labcorp
Classification: Uncertain significance. Last evaluated: 2025-05-26. Review status: criteria provided, single submitter. Criteria: Invitae Variant Classification Sherloc (09022015). Collection method: clinical testing. Allele origin: germline.
Comment: This sequence change replaces methionine, which is neutral and non-polar, with valine, which is neutral and non-polar, at codon 213 of the ANXA11 protein (p.Met213Val). This variant is not present in population databases (gnomAD no frequency). This variant has not been reported in the literature in individuals affected with ANXA11-related conditions. An algorithm developed to predict the effect of missense changes on protein structure and function (PolyPhen-2) suggests that this variant is likely to be disruptive. In summary, the available evidence is currently insufficient to determine the role of this variant in disease. Therefore, it has been classified as a Variant of Uncertain Significance.